The following is an entry in ClinVar:

NM_014339.7(IL17RA):c.769C>G (p.Pro257Ala)

Gene: IL17RA (interleukin 17 receptor A; plus strand). Cytogenetic location: 22q11.1.
Variant type: single nucleotide variant.
Coding change: c.769C>G on transcript NM_014339.7 (MANE Select); coding-DNA position 769, C replaced by G.
Protein change: p.Pro257Ala; replaces proline 257 with alanine.
Molecular consequence: missense variant.
Genome position (GRCh38, 1-based): chr22:17,103,500, C>G. VCF-style: chr22-17103500-C-G. GRCh37 (hg19) VCF-style: chr22-17584390-C-G.
Other names: c.769C>G, p.Pro257Ala (NM_001289905.2); short protein forms P257A.
Identifiers: ClinVar variation 1429469 (VCV001429469.5), dbSNP rs199569526, ClinGen allele CA10086487.
Genomic context (GRCh38, chr22:17,103,500, plus strand): 5'-CAACTAGCCTTACCCATCCCAACTAGCCTTACCCATCCTCGCCTCTCTCCTCAGCCCAGA[C>G]CAGAAGAGTTCCACCAGCGATCCAACGTCACACTCACTCTACGCAACCTTAAAGGGTGCT-3'
Protein context (NP_055154.3, residues 247-267): EHMHHIPAPR[Pro257Ala]EEFHQRSNVT

ClinVar aggregate classification (germline): Uncertain significance (1 of 4 stars; one submission).

Conditions:
Immunodeficiency 51 (IMD51). Also called: CANDIDIASIS, FAMILIAL, 5. Identifiers: Orphanet 1334, MedGen C4310803, MONDO:0013500, OMIM 613953.

Allele frequency attached by ClinVar (database versions not stated): gnomAD 0.00004 and 0.00005; ExAC 0.00005; TOPMed 0.00005; gnomAD exomes 0.00006 and 0.00009; ESP Exome Variant Server 0.00015.
gnomAD v4.1: 136 of 1,613,788 alleles (0.0084%); highest among the groups gnomAD compares: Non-Finnish European, 0.011%; no homozygotes.

Submission:

Labcorp Genetics (formerly Invitae), Labcorp
Classification: Uncertain significance for Immunodeficiency 51. Last evaluated: 2022-10-13. Review status: criteria provided, single submitter. Criteria: Invitae Variant Classification Sherloc (09022015). Collection method: clinical testing. Allele origin: germline.
Comment: This sequence change replaces proline, which is neutral and non-polar, with alanine, which is neutral and non-polar, at codon 257 of the IL17RA protein (p.Pro257Ala). This variant is present in population databases (rs199569526, gnomAD 0.009%). This variant has not been reported in the literature in individuals affected with IL17RA-related conditions. ClinVar contains an entry for this variant (Variation ID: 1429469). Advanced modeling of protein sequence and biophysical properties (such as structural, functional, and spatial information, amino acid conservation, physicochemical variation, residue mobility, and thermodynamic stability) performed at Invitae indicates that this missense variant is not expected to disrupt IL17RA protein function. Algorithms developed to predict the effect of sequence changes on RNA splicing suggest that this variant may disrupt the consensus splice site. In summary, the available evidence is currently insufficient to determine the role of this variant in disease. Therefore, it has been classified as a Variant of Uncertain Significance.